The following is an entry in ClinVar:

ClinVar aggregate classification (germline): Pathogenic (1 of 4 stars; one submission).

Conditions:
Exostoses, multiple, type 2 (EXT2). Also called: Hereditary Multiple Osteochondromatosis, Type II; EXOSTOSES, MULTIPLE, TYPE II. Identifiers: Orphanet 321, MedGen C1851413, MONDO:0007586, OMIM 133701.

Submission:

Labcorp Genetics (formerly Invitae), Labcorp
Classification: Pathogenic for Exostoses, multiple, type 2. Last evaluated: 2021-08-16. Review status: criteria provided, single submitter. Criteria: Invitae Variant Classification Sherloc (09022015). Collection method: clinical testing. Allele origin: germline.
Comment: This variant is a gross deletion of the genomic region encompassing exons 2-7 of the EXT2 gene, which includes the initiator codon. The 5' end of this event is unknown as it extends beyond the assayed region for this gene and therefore may encompass additional genes. The 3' boundary is likely confined to intron 7 of the EXT2 gene. This is expected to result in an absent or disrupted protein product. This variant has not been reported in the literature in individuals with EXT2-related disease. Loss-of-function variants in EXT2 are known to be pathogenic (PMID: 19810120). For these reasons, this variant has been classified as Pathogenic.

Literature cited by the submitters: PubMed 19810120.

NC_000011.9:g.(?_44129235)_(44151698_?)del

Gene: EXT2 (exostosin glycosyltransferase 2; plus strand). Cytogenetic location: 11p11.2.
Variant type: Deletion.
Identifiers: ClinVar variation 1459798 (VCV001459798.2).